The following is an entry in ClinVar:

ClinVar aggregate classification (germline): Uncertain significance. Review status: criteria provided, multiple submitters, no conflicts (2 of 4 stars). 2 submissions from 2 submitters: Uncertain significance (2). Last evaluated 2022-05-04.

Conditions:
Hereditary cancer-predisposing syndrome. Also called: Hereditary Cancer Syndrome; Hereditary neoplastic syndrome; Neoplastic Syndromes, Hereditary; Tumor predisposition. Identifiers: Orphanet 140162, MedGen C0027672, MeSH D009386, MONDO:0015356.

Submissions (2):

Mendelics
Classification: Uncertain significance. Last evaluated: 2022-05-04. Review status: criteria provided, single submitter. Criteria: Mendelics Assertion Criteria 2019. Collection method: clinical testing. Allele origin: germline.

Ambry Genetics
Classification: Uncertain significance for Hereditary cancer-predisposing syndrome. Last evaluated: 2022-03-01. Review status: criteria provided, single submitter. Criteria: Ambry Variant Classification Scheme 2023. Collection method: clinical testing. Allele origin: germline.
Comment: The p.Y722C variant (also known as c.2165A>G), located in coding exon 11 of the BARD1 gene, results from an A to G substitution at nucleotide position 2165. The tyrosine at codon 722 is replaced by cysteine, an amino acid with highly dissimilar properties. This amino acid position is conserved. In addition, this alteration is predicted to be deleterious by in silico analysis. Since supporting evidence is limited at this time, the clinical significance of this alteration remains unclear.

NM_000465.4(BARD1):c.2165A>G (p.Tyr722Cys)

Gene: BARD1 (BRCA1 associated RING domain 1; minus strand). Cytogenetic location: 2q35.
Variant type: single nucleotide variant.
Coding change: c.2165A>G on transcript NM_000465.4 (MANE Select); coding-DNA position 2165, A replaced by G.
Protein change: p.Tyr722Cys; replaces tyrosine 722 with cysteine.
Molecular consequence: missense variant. On other transcripts: non-coding transcript variant (3).
Genome position (GRCh38, 1-based): chr2:214,728,845, T>C on the plus strand (A>G on the coding strand, the complement: BARD1 is on the minus strand). VCF-style: chr2-214728845-T-C. GRCh37 (hg19) VCF-style: chr2-215593569-T-C.
Other names: c.2108A>G, p.Tyr703Cys (NM_001282543.2); c.812A>G, p.Tyr271Cys (NM_001282545.2); c.755A>G, p.Tyr252Cys (NM_001282548.2); c.626A>G, p.Tyr209Cys (NM_001282549.2); short protein forms Y209C, Y252C, Y271C, Y703C, Y722C.
Identifiers: ClinVar variation 1686498 (VCV001686498.3), dbSNP rs2105987106, ClinGen allele CA350450422.